The following is an entry in ClinVar:

ClinVar aggregate classification (germline): Uncertain significance (1 of 4 stars; one submission).

Submission:

Labcorp Genetics (formerly Invitae), Labcorp
Classification: Uncertain significance. Last evaluated: 2024-03-20. Review status: criteria provided, single submitter. Criteria: Invitae Variant Classification Sherloc (09022015). Collection method: clinical testing. Allele origin: germline.
Comment: This sequence change replaces glutamic acid, which is acidic and polar, with lysine, which is basic and polar, at codon 2039 of the TRRAP protein (p.Glu2039Lys). This variant is not present in population databases (gnomAD no frequency). This variant has not been reported in the literature in individuals affected with TRRAP-related conditions. Advanced modeling of protein sequence and biophysical properties (such as structural, functional, and spatial information, amino acid conservation, physicochemical variation, residue mobility, and thermodynamic stability) performed at Invitae indicates that this missense variant is not expected to disrupt TRRAP protein function with a negative predictive value of 80%. In summary, the available evidence is currently insufficient to determine the role of this variant in disease. Therefore, it has been classified as a Variant of Uncertain Significance.

NM_001375524.1(TRRAP):c.6190G>A (p.Glu2064Lys)

Gene: TRRAP (transformation/transcription domain associated protein; plus strand). Cytogenetic location: 7q22.1.
Variant type: single nucleotide variant.
Coding change: c.6190G>A on transcript NM_001375524.1 (MANE Select); coding-DNA position 6190, G replaced by A.
Protein change: p.Glu2064Lys; replaces glutamic acid 2064 with lysine.
Molecular consequence: missense variant.
Genome position (GRCh38, 1-based): chr7:98,956,492, G>A. VCF-style: chr7-98956492-G-A. GRCh37 (hg19) VCF-style: chr7-98554115-G-A.
Other names: c.6169G>A, p.Glu2057Lys (NM_001244580.2); c.6115G>A, p.Glu2039Lys (NM_003496.4); short protein forms E2064K, E2057K, E2039K.
Identifiers: ClinVar variation 3646958 (VCV003646958.2).